The following is an entry in ClinVar:

ClinVar aggregate classification (germline): Conflicting classifications of pathogenicity. Review status: criteria provided, conflicting classifications (1 of 4 stars). 10 submissions from 10 submitters: Uncertain significance (3); Benign (2); Likely benign (4). 1 of the submissions does not count toward it. Last evaluated 2026-01-18.

Conditions:
RYR2-related disorder. Also called: RYR2-related condition.
Cardiovascular phenotype. Identifiers: MedGen CN230736.
Catecholaminergic polymorphic ventricular tachycardia 1. Also called: VENTRICULAR TACHYCARDIA, CATECHOLAMINERGIC POLYMORPHIC, 1, WITH OR WITHOUT ATRIAL DYSFUNCTION AND/OR DILATED CARDIOMYOPATHY; VENTRICULAR TACHYCARDIA, STRESS-INDUCED POLYMORPHIC 1; RYR2-Related Catecholaminergic Polymorphic Ventricular Tachycardia. Identifiers: Orphanet 3286, MedGen C1631597, MONDO:0011484, OMIM 604772.
Cardiomyopathy (CMYO). Also called: Cardiomyopathies. Identifiers: Orphanet 167848, MedGen C0878544, MONDO:0004994, HP:0001638. Inheritance: Various modes of inheritance.

Allele frequency attached by ClinVar (database versions not stated): ExAC 0.00014; ESP Exome Variant Server 0.00056; gnomAD 0.00063 and 0.00072; TOPMed 0.00077.
gnomAD v4.1: 189 of 1,613,986 alleles (0.012%); highest among the groups gnomAD compares: African/African-American, 0.23%; no homozygotes.

Submissions (10):

Labcorp Genetics (formerly Invitae), Labcorp
Classification: Likely benign for Catecholaminergic polymorphic ventricular tachycardia 1. Last evaluated: 2026-01-18. Review status: criteria provided, single submitter. Criteria: Invitae Variant Classification Sherloc (09022015). Collection method: clinical testing. Allele origin: germline.

Molecular Diagnostic Laboratory for Inherited Cardiovascular Disease, Montreal Heart Institute
Classification: Uncertain significance for Cardiovascular phenotype. Last evaluated: 2025-04-09. Review status: criteria provided, single submitter. Criteria: ACMG Guidelines, 2015. Collection method: clinical testing. Allele origin: germline. Affected: yes.

Blueprint Genetics
Classification: Likely benign. Last evaluated: 2023-02-13. Review status: criteria provided, single submitter. Criteria: ACMG Guidelines, 2015. Collection method: clinical testing. Allele origin: germline.

GeneDx
Classification: Uncertain significance. Last evaluated: 2022-07-18. Review status: criteria provided, single submitter. Criteria: GeneDx Variant Classification Process June 2021. Collection method: clinical testing. Allele origin: germline. Affected: yes.
Comment: Reported in an adult with HCM who also harbored additional cardiogenetic variants (Mademont-Soler et al., 2017); In silico analysis supports that this missense variant has a deleterious effect on protein structure/function; Not located in one of the three hot-spot regions of the RYR2 gene, where the majority of pathogenic missense variants occur (Medeiros-Domingo et al., 2009); This variant is associated with the following publications: (PMID: 28771489, 19926015, 28404607)

Ambry Genetics
Classification: Likely benign for Cardiovascular phenotype. Last evaluated: 2021-09-07. Review status: criteria provided, single submitter. Criteria: Ambry Variant Classification Scheme 2023. Collection method: clinical testing. Allele origin: germline.

Color Diagnostics, LLC DBA Color Health
Classification: Likely benign for Cardiomyopathy. Last evaluated: 2018-12-17. Review status: criteria provided, single submitter. Criteria: ACMG Guidelines, 2015. Collection method: clinical testing. Allele origin: germline.

Women's Health and Genetics/Laboratory Corporation of America, LabCorp
Classification: Benign. Last evaluated: 2018-10-29. Review status: criteria provided, single submitter. Criteria: LabCorp Variant Classification Summary - May 2015. Collection method: clinical testing. Allele origin: germline.
Comment: Variant summary: RYR2 c.7619A>G (p.His2540Arg) results in a non-conservative amino acid change in the encoded protein sequence. Five of five in-silico tools predict a damaging effect of the variant on protein function. The variant allele was found at a frequency of 0.00019 in 277206 control chromosomes, predominantly at a frequency of 0.0021 within the African subpopulation in the gnomAD database. The observed variant frequency within African control individuals in the gnomAD database is approximately 84 fold of the estimated maximal expected allele frequency for a pathogenic variant in RYR2 causing Cardiomyopathy phenotype (2.5e-05), strongly suggesting that the variant is a benign polymorphism found primarily in populations of African origin. c.7619A>G has been reported in the literature in individuals affected with Cardiomyopathy (Landstrom_2017, Mademon-Soler_2017). These report(s) do not provide unequivocal conclusions about association of the variant with Cardiomyopathy. To our knowledge, no experimental evidence demonstrating an impact on protein function has been reported. Three ClinVar submissions from clinical diagnostic laboratories (evaluation after 2014) cite the variant twice as uncertain significance and once as likely benign. Based on the evidence outlined above, the variant was classified as benign.

CHEO Genetics Diagnostic Laboratory, Children's Hospital of Eastern Ontario
Classification: Benign for Cardiomyopathy. Last evaluated: 2018-06-27. Review status: criteria provided, single submitter. Criteria: ACMG Guidelines, 2015. Collection method: clinical testing. Allele origin: germline.

Laboratory for Molecular Medicine, Mass General Brigham Personalized Medicine
Classification: Uncertain significance. Last evaluated: 2013-01-30. Review status: criteria provided, single submitter. Criteria: LMM Criteria. Collection method: clinical testing. Allele origin: germline. Observed: 1 variant allele.
Comment: Variant classified as Uncertain Significance - Favor Benign. The His2540Arg vari ant in RYR2 has not been reported in the literature nor previously identified by our laboratory. This variant has been identified in 0.2% (7/4062) of African Am erican chromosomes from a broad population by the NHLBI Exome Sequencing Project (dbSNP rs200105499). Computational analyses (biochemical amino acid properties, conservation, AlignGVGD, PolyPhen2, and SIFT ) do not provide strong support for or against an impact to the protein. In summ ary, although the frequency of this variant suggests that it is more likely beni gn, it is too low to confidently rule out a disease-causing role and additional information is needed to fully assess its clinical significance.

PreventionGenetics, part of Exact Sciences
Classification: Likely benign for RYR2-related condition. Last evaluated: 2022-01-16. Review status: no assertion criteria provided. Collection method: clinical testing. Allele origin: germline. Not counted in ClinVar's aggregate classification.
Comment: This variant is classified as likely benign based on ACMG/AMP sequence variant interpretation guidelines (Richards et al. 2015 PMID: 25741868, with internal and published modifications).

Literature cited by the submitters: PubMed 28771489 (cited by Women's Health and Genetics/Laboratory Corporation of America, LabCorp); PubMed 28404607 (cited by Women's Health and Genetics/Laboratory Corporation of America, LabCorp).

NM_001035.3(RYR2):c.7619A>G (p.His2540Arg)

Gene: RYR2 (ryanodine receptor 2; plus strand). Cytogenetic location: 1q43.
Variant type: single nucleotide variant.
Coding change: c.7619A>G on transcript NM_001035.3 (MANE Select); coding-DNA position 7619, A replaced by G.
Protein change: p.His2540Arg; replaces histidine 2540 with arginine.
Molecular consequence: missense variant.
Genome position (GRCh38, 1-based): chr1:237,649,983, A>G. VCF-style: chr1-237649983-A-G. GRCh37 (hg19) VCF-style: chr1-237813283-A-G.
Other names: p.H2540R:CAC>CGC; short protein forms H2540R.
Identifiers: ClinVar variation 43826 (VCV000043826.35), dbSNP rs200105499, ClinGen allele CA010752.